The following is an entry in ClinVar:

ClinVar aggregate classification (germline): Uncertain significance. Review status: criteria provided, multiple submitters, no conflicts (2 of 4 stars). 2 submissions from 2 submitters: Uncertain significance (2). Last evaluated 2023-05-23.

Conditions:
Inborn genetic diseases. Identifiers: MedGen C0950123, MeSH D030342.

gnomAD v4.1: 3 of 1,613,872 alleles (0.00019%); highest among the groups gnomAD compares: African/African-American, 0.0027%; no homozygotes.

Submissions (2):

Labcorp Genetics (formerly Invitae), Labcorp
Classification: Uncertain significance. Last evaluated: 2023-05-23. Review status: criteria provided, single submitter. Criteria: Invitae Variant Classification Sherloc (09022015). Collection method: clinical testing. Allele origin: germline.
Comment: Advanced modeling of protein sequence and biophysical properties (such as structural, functional, and spatial information, amino acid conservation, physicochemical variation, residue mobility, and thermodynamic stability) performed at Invitae indicates that this missense variant is not expected to disrupt FAT4 protein function. ClinVar contains an entry for this variant (Variation ID: 1431532). This variant has not been reported in the literature in individuals affected with FAT4-related conditions. This variant is not present in population databases (gnomAD no frequency). This sequence change replaces aspartic acid, which is acidic and polar, with glycine, which is neutral and non-polar, at codon 2813 of the FAT4 protein (p.Asp2813Gly). In summary, the available evidence is currently insufficient to determine the role of this variant in disease. Therefore, it has been classified as a Variant of Uncertain Significance.

Ambry Genetics
Classification: Uncertain significance for Inborn genetic diseases. Last evaluated: 2022-10-03. Review status: criteria provided, single submitter. Criteria: Ambry Variant Classification Scheme 2023. Collection method: clinical testing. Allele origin: germline.

NM_001291303.3(FAT4):c.8444A>G (p.Asp2815Gly)

Gene: FAT4 (FAT atypical cadherin 4; plus strand). Cytogenetic location: 4q28.1.
Variant type: single nucleotide variant.
Coding change: c.8444A>G on transcript NM_001291303.3 (MANE Select); coding-DNA position 8444, A replaced by G.
Protein change: p.Asp2815Gly; replaces aspartic acid 2815 with glycine.
Molecular consequence: missense variant.
Genome position (GRCh38, 1-based): chr4:125,449,454, A>G. VCF-style: chr4-125449454-A-G. GRCh37 (hg19) VCF-style: chr4-126370609-A-G.
Other names: c.8438A>G (NM_024582.4); c.8444A>G, p.Asp2815Gly (NM_001291285.3); c.8438A>G, p.Asp2813Gly (NM_024582.6); short protein forms D2813G, D2815G.
Identifiers: ClinVar variation 1431532 (VCV001431532.9), dbSNP rs763149272, ClinGen allele CA358146146.